The following is an entry in ClinVar:

ClinVar aggregate classification (germline): Uncertain significance (1 of 4 stars; one submission).

Allele frequency attached by ClinVar (database versions not stated): gnomAD exomes 0.00005 and 0.00007; gnomAD 0.00006; TOPMed 0.00006; ExAC 0.00009.
gnomAD v4.1: 118 of 1,584,840 alleles (0.0074%); highest among the groups gnomAD compares: Non-Finnish European, 0.0082%; 1 homozygote.

Submission:

Labcorp Genetics (formerly Invitae), Labcorp
Classification: Uncertain significance. Last evaluated: 2024-10-16. Review status: criteria provided, single submitter. Criteria: Invitae Variant Classification Sherloc (09022015). Collection method: clinical testing. Allele origin: germline.
Comment: This sequence change replaces glutamic acid, which is acidic and polar, with lysine, which is basic and polar, at codon 160 of the FSCN2 protein (p.Glu160Lys). This variant is present in population databases (rs782644199, gnomAD 0.008%). This variant has not been reported in the literature in individuals affected with FSCN2-related conditions. ClinVar contains an entry for this variant (Variation ID: 968854). An algorithm developed to predict the effect of missense changes on protein structure and function outputs the following: PolyPhen-2: "Possibly Damaging". The lysine amino acid residue is found in multiple mammalian species, which suggests that this missense change does not adversely affect protein function. In summary, the available evidence is currently insufficient to determine the role of this variant in disease. Therefore, it has been classified as a Variant of Uncertain Significance.

NM_012418.4(FSCN2):c.478G>A (p.Glu160Lys)

Gene: FSCN2 (fascin actin-bundling protein 2, retinal; plus strand). Cytogenetic location: 17q25.3.
Variant type: single nucleotide variant.
Coding change: c.478G>A on transcript NM_012418.4 (MANE Select); coding-DNA position 478, G replaced by A.
Protein change: p.Glu160Lys; replaces glutamic acid 160 with lysine.
Molecular consequence: missense variant.
Genome position (GRCh38, 1-based): chr17:81,529,009, G>A. VCF-style: chr17-81529009-G-A. GRCh37 (hg19) VCF-style: chr17-79496035-G-A.
Other names: c.478G>A, p.Glu160Lys (NM_001077182.3); short protein forms E160K.
Identifiers: ClinVar variation 968854 (VCV000968854.10), dbSNP rs782644199, ClinGen allele CA8836693.